The following is an entry in ClinVar:

NM_213599.3(ANO5):c.584G>A (p.Arg195Gln)

Gene: ANO5 (anoctamin 5; plus strand). Cytogenetic location: 11p14.3.
Variant type: single nucleotide variant.
Coding change: c.584G>A on transcript NM_213599.3 (MANE Select); coding-DNA position 584, G replaced by A.
Protein change: p.Arg195Gln; replaces arginine 195 with glutamine.
Molecular consequence: missense variant.
Genome position (GRCh38, 1-based): chr11:22,227,522, G>A. VCF-style: chr11-22227522-G-A. GRCh37 (hg19) VCF-style: chr11-22249068-G-A.
Other names: c.581G>A, p.Arg194Gln (NM_001142649.2); short protein forms R195Q, R194Q.
Identifiers: ClinVar variation 304100 (VCV000304100.19), dbSNP rs143078257, ClinGen allele CA5922951.

ClinVar aggregate classification (germline): Uncertain significance. Review status: criteria provided, multiple submitters, no conflicts (2 of 4 stars). 4 submissions from 4 submitters: Uncertain significance (4). Last evaluated 2025-11-20.

Conditions:
Autosomal recessive limb-girdle muscular dystrophy type 2L (LGMDR12). Also called: Limb-girdle muscular dystrophy, type 2L; Limb-Girdle Muscular Dystrophy R12 Anoctamin-5-Related (LGMD-R12); MUSCULAR DYSTROPHY, LIMB-GIRDLE, AUTOSOMAL RECESSIVE 12. Identifiers: Orphanet 206549, MedGen C1969785, MONDO:0012652, OMIM 611307.
Gnathodiaphyseal dysplasia (GDD). Also called: GNATHODIAPHYSEAL SCLEROSIS; OSTEOGENESIS IMPERFECTA WITH UNUSUAL SKELETAL LESIONS. Identifiers: Orphanet 53697, MedGen C1833736, MONDO:0008151, OMIM 166260.
ANO5-Related Muscle Diseases. Identifiers: MedGen CN180644.

Allele frequency attached by ClinVar (database versions not stated): gnomAD 0.00003 and 0.00004; gnomAD exomes 0.00004; ExAC 0.00007; TOPMed 0.00007; ESP Exome Variant Server 0.00015; 1000 Genomes Project 30x 0.00016; 1000 Genomes Project 0.00020.

Submissions (4):

GeneDx
Classification: Uncertain significance. Last evaluated: 2025-11-20. Review status: criteria provided, single submitter. Criteria: GeneDx Variant Classification Process June 2021. Collection method: clinical testing. Allele origin: germline. Affected: yes.
Comment: Reported in a heterozygous state in one individual from a cohort of patients with limb girdle muscular weakness (PMID: 39678382); Not observed at significant frequency in large population cohorts (gnomAD); In silico analysis supports that this missense variant has a deleterious effect on protein structure/function; This variant is associated with the following publications: (PMID: 39678382)

Labcorp Genetics (formerly Invitae), Labcorp
Classification: Uncertain significance for Autosomal recessive limb-girdle muscular dystrophy type 2L; Gnathodiaphyseal dysplasia. Last evaluated: 2025-07-11. Review status: criteria provided, single submitter. Criteria: Invitae Variant Classification Sherloc (09022015). Collection method: clinical testing. Allele origin: germline.
Comment: This sequence change replaces arginine, which is basic and polar, with glutamine, which is neutral and polar, at codon 195 of the ANO5 protein (p.Arg195Gln). This variant is present in population databases (rs143078257, gnomAD 0.009%). This variant has not been reported in the literature in individuals affected with ANO5-related conditions. ClinVar contains an entry for this variant (Variation ID: 304100). Invitae Evidence Modeling of protein sequence and biophysical properties (such as structural, functional, and spatial information, amino acid conservation, physicochemical variation, residue mobility, and thermodynamic stability) has been performed for this missense variant. However, the output from this modeling did not meet the statistical confidence thresholds required to predict the impact of this variant on ANO5 protein function. In summary, the available evidence is currently insufficient to determine the role of this variant in disease. Therefore, it has been classified as a Variant of Uncertain Significance.

Eurofins Ntd Llc (ga)
Classification: Uncertain significance. Last evaluated: 2018-03-13. Review status: criteria provided, single submitter. Criteria: EGL ClinVar v180209 classification definitions. Collection method: clinical testing. Allele origin: germline. Observed: 2 variant alleles, 2 heterozygotes.

Illumina Laboratory Services, Illumina
Classification: Uncertain significance for ANO5-Related Muscle Diseases. Last evaluated: 2018-01-13. Review status: criteria provided, single submitter. Criteria: ICSL Variant Classification Criteria 13 December 2019. Collection method: clinical testing. Allele origin: germline.